The following is an entry in ClinVar:

ClinVar aggregate classification (germline): Uncertain significance. Review status: criteria provided, multiple submitters, no conflicts (2 of 4 stars). 2 submissions from 2 submitters: Uncertain significance (2). Last evaluated 2022-11-06.

Allele frequency attached by ClinVar (database versions not stated): gnomAD 0.00001.
gnomAD v4.1: 2 of 1,145,588 alleles (0.00017%); highest among the groups gnomAD compares: Non-Finnish European, 0.00011%; no homozygotes.

Submissions (2):

Labcorp Genetics (formerly Invitae), Labcorp
Classification: Uncertain significance. Last evaluated: 2022-11-06. Review status: criteria provided, single submitter. Criteria: Invitae Variant Classification Sherloc (09022015). Collection method: clinical testing. Allele origin: germline.
Comment: In summary, the available evidence is currently insufficient to determine the role of this variant in disease. Therefore, it has been classified as a Variant of Uncertain Significance. Algorithms developed to predict the effect of missense changes on protein structure and function are either unavailable or do not agree on the potential impact of this missense change (SIFT: "Tolerated"; PolyPhen-2: "Not Available"; Align-GVGD: "Class C0"). This variant has not been reported in the literature in individuals affected with ROR1-related conditions. This variant is not present in population databases (gnomAD no frequency). This sequence change replaces arginine, which is basic and polar, with histidine, which is basic and polar, at codon 25 of the ROR1 protein (p.Arg25His).

Ambry Genetics
Classification: Uncertain significance. Last evaluated: 2021-10-26. Review status: criteria provided, single submitter. Criteria: Ambry Variant Classification Scheme 2023. Collection method: clinical testing. Allele origin: germline.

NM_005012.4(ROR1):c.74G>A (p.Arg25His)

Gene: ROR1 (receptor tyrosine kinase like orphan receptor 1; plus strand). Cytogenetic location: 1p31.3.
Variant type: single nucleotide variant.
Coding change: c.74G>A on transcript NM_005012.4 (MANE Select); coding-DNA position 74, G replaced by A.
Protein change: p.Arg25His; replaces arginine 25 with histidine.
Molecular consequence: missense variant.
Genome position (GRCh38, 1-based): chr1:63,774,491, G>A. VCF-style: chr1-63774491-G-A. GRCh37 (hg19) VCF-style: chr1-64240162-G-A.
Other names: c.74G>A, p.Arg25His (NM_001083592.2); short protein forms R25H.
Identifiers: ClinVar variation 2257395 (VCV002257395.5), dbSNP rs1644599905, ClinGen allele CA340711610.